The following is an entry in ClinVar:

ClinVar aggregate classification (germline): Uncertain significance. Review status: criteria provided, multiple submitters, no conflicts (2 of 4 stars). 5 submissions from 4 submitters: Uncertain significance (4). 1 of the submissions does not count toward it. Last evaluated 2023-02-08.

Conditions:
Autosomal recessive limb-girdle muscular dystrophy type 2F (LGMDR6). Also called: MUSCULAR DYSTROPHY, LIMB-GIRDLE, AUTOSOMAL RECESSIVE 6; Muscular dystrophy limb-girdle with delta-sarcoglyan deficiency. Identifiers: Orphanet 219, MedGen C1832525, MONDO:0011028, OMIM 601287. Disease mechanism: Affects gamma-sarcoglycan and also disrupts the integrity of the entire sarcoglycan complex..
Dilated cardiomyopathy 1L (CMD1L). Identifiers: Orphanet 154, MedGen C1847667, MONDO:0011702, OMIM 606685.

Allele frequency attached by ClinVar (database versions not stated): gnomAD exomes below 0.00001 and 0.00001; ExAC 0.00002; gnomAD 0.00002; TOPMed 0.00003.
gnomAD v4.1: 5 of 1,612,766 alleles (0.00031%); highest among the groups gnomAD compares: African/African-American, 0.0067%; no homozygotes.

Submissions (5):

Genome-Nilou Lab
Classification: Uncertain significance for Autosomal recessive limb-girdle muscular dystrophy type 2F. Last evaluated: 2023-02-08. Review status: criteria provided, single submitter. Criteria: ACMG Guidelines, 2015. Collection method: clinical testing. Allele origin: germline.

Genome-Nilou Lab
Classification: Uncertain significance for Dilated cardiomyopathy 1L. Last evaluated: 2023-02-08. Review status: criteria provided, single submitter. Criteria: ACMG Guidelines, 2015. Collection method: clinical testing. Allele origin: germline.

Labcorp Genetics (formerly Invitae), Labcorp
Classification: Uncertain significance for Autosomal recessive limb-girdle muscular dystrophy type 2F. Last evaluated: 2022-04-11. Review status: criteria provided, single submitter. Criteria: Invitae Variant Classification Sherloc (09022015). Collection method: clinical testing. Allele origin: germline.
Comment: This sequence change affects a donor splice site in intron 2 of the SGCD gene. It is expected to disrupt RNA splicing. Variants that disrupt the donor or acceptor splice site typically lead to a loss of protein function (PMID: 16199547), however it is currently unclear if variants that occur in this region of the gene cause disease. This variant is present in population databases (rs753979573, gnomAD 0.01%). This variant has not been reported in the literature in individuals affected with SGCD-related conditions. ClinVar contains an entry for this variant (Variation ID: 556722). Algorithms developed to predict the effect of sequence changes on RNA splicing suggest that this variant may disrupt the consensus splice site. In summary, the available evidence is currently insufficient to determine the role of this variant in disease. Therefore, it has been classified as a Variant of Uncertain Significance.

Fulgent Genetics
Classification: Uncertain significance for Autosomal recessive limb-girdle muscular dystrophy type 2F; Dilated cardiomyopathy 1L. Last evaluated: 2021-10-05. Review status: criteria provided, single submitter. Criteria: ACMG Guidelines, 2015. Collection method: clinical testing. Allele origin: unknown.

Counsyl
Classification: Uncertain significance for Dilated cardiomyopathy 1L; Autosomal recessive limb-girdle muscular dystrophy type 2F. Last evaluated: 2018-02-15. Review status: no assertion criteria provided. Collection method: clinical testing. Allele origin: unknown. Not counted in ClinVar's aggregate classification.

Literature cited by the submitters: PubMed 16199547 (cited by Labcorp Genetics (formerly Invitae), Labcorp).

NM_000337.6(SGCD):c.3+2T>A

Gene: SGCD (sarcoglycan delta; plus strand). Cytogenetic location: 5q33.3.
Variant type: single nucleotide variant.
Coding change: c.3+2T>A on transcript NM_000337.6 (MANE Select); the canonical splice donor site of the intron after coding-DNA position 3, T replaced by A.
Molecular consequence: splice donor variant. On other transcripts: intron variant (1).
Genome position (GRCh38, 1-based): chr5:156,329,581, T>A. VCF-style: chr5-156329581-T-A. GRCh37 (hg19) VCF-style: chr5-155756591-T-A.
Other names: c.-1+2349T>A (NM_001128209.2); c.3+2T>A (NM_172244.3).
Identifiers: ClinVar variation 556722 (VCV000556722.6), dbSNP rs753979573, ClinGen allele CA3530432.